The following is an entry in ClinVar:

ClinVar aggregate classification (germline): Likely pathogenic. Review status: criteria provided, multiple submitters, no conflicts (2 of 4 stars). 4 submissions from 4 submitters: Likely pathogenic (3). 1 of the submissions does not count toward it. Last evaluated 2026-06-26.

Conditions:
X-linked Alport syndrome (ATS1). Also called: NEPHROPATHY AND DEAFNESS, X-LINKED; COL4A5-Related Nephropathy. Identifiers: Orphanet 63, Orphanet 88917, MedGen C4746986, MONDO:0010520, OMIM 301050.

Submissions (4):

Centre de Génétique Humaine, Institut de Pathologie Et de Génétique
Classification: Likely pathogenic for X-linked Alport syndrome. Last evaluated: 2026-06-26. Review status: criteria provided, single submitter. Criteria: ACMG Guidelines, 2015. Collection method: clinical testing. Allele origin: maternal, germline. Inheritance: X-linked dominant inheritance. Affected: yes. Observed: 2 variant alleles, 1 heterozygote, 1 hemizygote. Segregation with disease observed.
Comment: This missense variant involves a highly conserved glycine located in a ‘Gly-X-Y’ motif in collagenous region, which is characteristic of the pathogenic variants identified in the COL4A5 gene (PM1,PP2). This variant is rare: absent in gnomAD v4.1.0 database (PM2). In silico analysis supports that this missense variant has a deleterious effect (PP3). Described as LP in a patient with X-linked AS in ClinVar (PP5)

Institute of Human Genetics, Clinical Exome/Genome Diagnostics Group, University Hospital Bonn
Classification: Likely pathogenic for X-linked Alport syndrome. Last evaluated: 2024-02-06. Review status: criteria provided, single submitter. Criteria: ACMG Guidelines, 2015. Collection method: clinical testing. Allele origin: maternal. Affected: yes.

Labcorp Genetics (formerly Invitae), Labcorp
Classification: Likely pathogenic. Last evaluated: 2020-09-01. Review status: criteria provided, single submitter. Criteria: Invitae Variant Classification Sherloc (09022015). Collection method: clinical testing. Allele origin: germline.
Comment: This sequence change replaces glycine with glutamic acid at codon 728 of the COL4A5 protein (p.Gly728Glu). The glycine residue is highly conserved and there is a moderate physicochemical difference between glycine and glutamic acid. In summary, the currently available evidence indicates that the variant is pathogenic, but additional data are needed to prove that conclusively. Therefore, this variant has been classified as Likely Pathogenic. This variant disrupts the triple helix domain of COL4A5. Glycine residues within the Gly-Xaa-Yaa repeats of the triple helix domain are required for the structure and stability of fibrillar collagens (PMID: 7695699, 8218237, 19344236). In COL4A5, missense variants at these glycine residues are significantly enriched in individuals with disease (PMID: 23720012, 27627812) compared to the general population (ExAC). Advanced modeling of protein sequence and biophysical properties (such as structural, functional, and spatial information, amino acid conservation, physicochemical variation, residue mobility, and thermodynamic stability) performed at Invitae indicates that this missense variant is expected to disrupt COL4A5 protein function. This variant has not been reported in the literature in individuals with COL4A5-related conditions. ClinVar contains an entry for this variant (Variation ID: 635479). This variant is not present in population databases (ExAC no frequency).

Bioscientia Institut fuer Medizinische Diagnostik GmbH, Sonic Healthcare
Classification: Likely pathogenic for X-linked Alport syndrome. Last evaluated: 2019-02-04. Review status: no assertion criteria provided. Collection method: clinical testing. Allele origin: germline. Affected: yes. Not counted in ClinVar's aggregate classification.

Literature cited by the submitters: PubMed 7695699 (cited by Labcorp Genetics (formerly Invitae), Labcorp); PubMed 8218237 (cited by Labcorp Genetics (formerly Invitae), Labcorp); PubMed 19344236 (cited by Labcorp Genetics (formerly Invitae), Labcorp); PubMed 23720012 (cited by Labcorp Genetics (formerly Invitae), Labcorp); PubMed 27627812 (cited by Labcorp Genetics (formerly Invitae), Labcorp).

NM_033380.3(COL4A5):c.2183G>A (p.Gly728Glu)

Gene: COL4A5 (collagen type IV alpha 5 chain; plus strand). Cytogenetic location: Xq22.3.
Variant type: single nucleotide variant.
Coding change: c.2183G>A on transcript NM_033380.3 (MANE Select); coding-DNA position 2183, G replaced by A.
Protein change: p.Gly728Glu; replaces glycine 728 with glutamic acid.
Molecular consequence: missense variant.
Genome position (GRCh38, 1-based): chrX:108,603,000, G>A. VCF-style: chrX-108603000-G-A. GRCh37 (hg19) VCF-style: chrX-107846230-G-A.
Other names: p.(Gly728Glu); c.2183G>A, p.Gly728Glu (NM_000495.5); short protein forms G728E.
Identifiers: ClinVar variation 635479 (VCV000635479.12), dbSNP rs1603292422, ClinGen allele CA413847299.